The following is an entry in ClinVar:

ClinVar aggregate classification (germline): Benign/Likely benign. Review status: criteria provided, multiple submitters, no conflicts (2 of 4 stars). 3 submissions from 3 submitters: Benign (1); Likely benign (1). 1 of the submissions does not count toward it. Last evaluated 2026-03-01.

Conditions:
SOX4-related disorder. Also called: SOX4-related condition.

Allele frequency attached by ClinVar (database versions not stated): 1000 Genomes Project 30x 0.00297; 1000 Genomes Project 0.00339; ESP Exome Variant Server 0.00454; TOPMed 0.00514; gnomAD 0.00780.

Submissions (3):

CeGaT Center for Human Genetics Tuebingen
Classification: Likely benign. Last evaluated: 2026-03-01. Review status: criteria provided, single submitter. Criteria: CeGaT Center For Human Genetics Tuebingen Variant Classification Criteria Version 2. Collection method: clinical testing. Allele origin: germline. Affected: yes. Observed: 24 variant alleles.
Comment: SOX4: BP4, BS2

Labcorp Genetics (formerly Invitae), Labcorp
Classification: Benign. Last evaluated: 2019-12-31. Review status: criteria provided, single submitter. Criteria: Invitae Variant Classification Sherloc (09022015). Collection method: clinical testing. Allele origin: germline.

PreventionGenetics, part of Exact Sciences
Classification: Benign for SOX4-related condition. Last evaluated: 2019-11-18. Review status: no assertion criteria provided. Collection method: clinical testing. Allele origin: germline. Not counted in ClinVar's aggregate classification.
Comment: This variant is classified as benign based on ACMG/AMP sequence variant interpretation guidelines (Richards et al. 2015 PMID: 25741868, with internal and published modifications).

NM_003107.3(SOX4):c.1215G>C (p.Leu405=)

Gene: SOX4 (SRY-box transcription factor 4; plus strand). Cytogenetic location: 6p22.3.
Variant type: single nucleotide variant.
Coding change: c.1215G>C on transcript NM_003107.3 (MANE Select); coding-DNA position 1215, G replaced by C.
Protein change: p.Leu405=; no amino-acid change (leucine 405 retained).
Molecular consequence: synonymous variant.
Genome position (GRCh38, 1-based): chr6:21,595,749, G>C. VCF-style: chr6-21595749-G-C. GRCh37 (hg19) VCF-style: chr6-21595980-G-C.
Identifiers: ClinVar variation 773468 (VCV000773468.36), dbSNP rs147615017, ClinGen allele CA3653733.
Genomic context (GRCh38, chr6:21,595,749, plus strand): 5'-CTCCTCCTCTTCCTCCTCCTCGGGCTCCTCGTCCTCCGACGACGAGTTCGAAGACGACCT[G>C]CTCGACCTGAACCCCAGCTCAAACTTTGAGAGCATGTCCCTGGGCAGCTTCAGTTCGTCG-3'
Protein context (NP_003098.1, residues 395-415): SSSDDEFEDD[Leu405=]LDLNPSSNFE